The following is an entry in ClinVar:

ClinVar aggregate classification (germline): Uncertain significance. Review status: criteria provided, multiple submitters, no conflicts (2 of 4 stars). 2 submissions from 2 submitters: Uncertain significance (2). Last evaluated 2025-07-30.

Conditions:
Inborn genetic diseases. Identifiers: MedGen C0950123, MeSH D030342.

Allele frequency attached by ClinVar (database versions not stated): gnomAD exomes below 0.00001; ExAC 0.00001; gnomAD 0.00001; TOPMed 0.00001.
gnomAD v4.1: 6 of 1,614,044 alleles (0.00037%); highest among the groups gnomAD compares: East Asian, 0.0022%; no homozygotes.

Submissions (2):

Labcorp Genetics (formerly Invitae), Labcorp
Classification: Uncertain significance. Last evaluated: 2025-07-30. Review status: criteria provided, single submitter. Criteria: Invitae Variant Classification Sherloc (09022015). Collection method: clinical testing. Allele origin: germline.
Comment: This sequence change replaces arginine, which is basic and polar, with cysteine, which is neutral and slightly polar, at codon 350 of the ATP1A1 protein (p.Arg350Cys). This variant is present in population databases (rs747138813, gnomAD 0.006%). This variant has not been reported in the literature in individuals affected with ATP1A1-related conditions. ClinVar contains an entry for this variant (Variation ID: 1943076). Invitae Evidence Modeling of protein sequence and biophysical properties (such as structural, functional, and spatial information, amino acid conservation, physicochemical variation, residue mobility, and thermodynamic stability) indicates that this missense variant is expected to disrupt ATP1A1 protein function with a positive predictive value of 80%. In summary, the available evidence is currently insufficient to determine the role of this variant in disease. Therefore, it has been classified as a Variant of Uncertain Significance.

Ambry Genetics
Classification: Uncertain significance for Inborn genetic diseases. Last evaluated: 2023-04-17. Review status: criteria provided, single submitter. Criteria: Ambry Variant Classification Scheme 2023. Collection method: clinical testing. Allele origin: germline.

NM_000701.8(ATP1A1):c.1048C>T (p.Arg350Cys)

Genes: ATP1A1 (ATPase Na+/K+ transporting subunit alpha 1; plus strand), LOC129931264 (ATAC-STARR-seq lymphoblastoid active region 1561; plus strand). Cytogenetic location: 1p13.1.
Variant type: single nucleotide variant.
Coding change: c.1048C>T on transcript NM_000701.8 (MANE Select); coding-DNA position 1048, C replaced by T.
Protein change: p.Arg350Cys; replaces arginine 350 with cysteine.
Molecular consequence: missense variant.
Genome position (GRCh38, 1-based): chr1:116,390,237, C>T. VCF-style: chr1-116390237-C-T. GRCh37 (hg19) VCF-style: chr1-116932859-C-T.
Other names: c.1048C>T (NM_001160233.1); c.1048C>T, p.Arg350Cys (NM_001160233.2); c.955C>T, p.Arg319Cys (NM_001160234.2); short protein forms R319C, R350C.
Identifiers: ClinVar variation 1943076 (VCV001943076.7), dbSNP rs747138813, ClinGen allele CA1025230.